The following is an entry in ClinVar:

NM_001042475.3(CEP85L):c.1613dup (p.Asn538fs)

Gene: CEP85L (centrosomal protein 85 like; minus strand). Cytogenetic location: 6q22.31.
Variant type: Duplication.
Coding change: c.1613dup on transcript NM_001042475.3 (MANE Select); coding-DNA position 1613, one base duplicated (A; older notation c.1613dupA).
Protein change: p.Asn538fs; shifts the reading frame from asparagine 538.
Molecular consequence: frameshift variant.
Genome position (GRCh38, 1-based): chr6:118,481,911, T duplicated on the plus strand (A on the coding strand, the reverse complement: CEP85L is on the minus strand); the first of 7 consecutive T bases (chr6:118,481,911-118,481,917); duplicating any one gives the same sequence. VCF-style (leftmost placement, unchanged base first): chr6-118481910-A-AT. GRCh37 (hg19) VCF-style: chr6-118803073-A-AT.
Other names: c.1622dup, p.Asn541fs (NM_001178035.2); short protein forms N538fs, N541fs.
Identifiers: ClinVar variation 3367976 (VCV003367976.1).
Genomic context (GRCh38, chr6:118,481,910, plus strand): 5'-CTGCTTTTTGATCTCTTCAAGTTTTTTTTCTGTATCTATCAAAGCCTCTTGTAAATTCTT[A>AT]TTTTTTTCTTCCAGAATCTGCAGCTAAGGAGAAATGTTTTACAGTTCATTACACATGAAA-3'

ClinVar aggregate classification (germline): Uncertain significance (1 of 4 stars; one submission).

Submission:

GeneDx
Classification: Uncertain significance. Last evaluated: 2024-01-16. Review status: criteria provided, single submitter. Criteria: GeneDx Variant Classification Process June 2021. Collection method: clinical testing. Allele origin: germline. Affected: yes.
Comment: Frameshift variant predicted to result in protein truncation or nonsense mediated decay in a gene or region of a gene for which loss of function is not a well-established mechanism of disease; Has not been previously published as pathogenic or benign to our knowledge